The following is an entry in ClinVar:

NM_020964.3(EPG5):c.526C>T (p.Gln176Ter)

Gene: EPG5 (ectopic P-granules 5 autophagy tethering factor; minus strand). Cytogenetic location: 18q21.1.
Variant type: single nucleotide variant.
Coding change: c.526C>T on transcript NM_020964.3 (MANE Select); coding-DNA position 526, C replaced by T.
Protein change: p.Gln176Ter; replaces glutamine 176 with a stop codon.
Molecular consequence: nonsense.
Genome position (GRCh38, 1-based): chr18:45,954,876, G>A on the plus strand (C>T on the coding strand, the complement: EPG5 is on the minus strand). VCF-style: chr18-45954876-G-A. GRCh37 (hg19) VCF-style: chr18-43534842-G-A.
Other names: c.526C>T, p.Gln176Ter (NM_001410858.1, NM_001410859.1); short protein forms Q176*.
Identifiers: ClinVar variation 3638407 (VCV003638407.2).

ClinVar aggregate classification (germline): Pathogenic (1 of 4 stars; one submission).

Conditions:
Vici syndrome (VICIS). Identifiers: Orphanet 1493, MedGen C1855772, MONDO:0009452, OMIM 242840.

Submission:

Labcorp Genetics (formerly Invitae), Labcorp
Classification: Pathogenic for Vici syndrome. Last evaluated: 2024-02-02. Review status: criteria provided, single submitter. Criteria: Invitae Variant Classification Sherloc (09022015). Collection method: clinical testing. Allele origin: germline.
Comment: This sequence change creates a premature translational stop signal (p.Gln176*) in the EPG5 gene. It is expected to result in an absent or disrupted protein product. Loss-of-function variants in EPG5 are known to be pathogenic (PMID: 23222957, 23674064). This variant is not present in population databases (gnomAD no frequency). This variant has not been reported in the literature in individuals affected with EPG5-related conditions. For these reasons, this variant has been classified as Pathogenic.

Literature cited by the submitters: PubMed 23222957; PubMed 23674064.